The following is an entry in ClinVar:

ClinVar aggregate classification (germline): Uncertain significance (1 of 4 stars; one submission).

Submission:

CeGaT Center for Human Genetics Tuebingen
Classification: Uncertain significance. Last evaluated: 2022-03-01. Review status: criteria provided, single submitter. Criteria: CeGaT Center For Human Genetics Tuebingen Variant Classification Criteria Version 2. Collection method: clinical testing. Allele origin: germline. Affected: yes. Observed: 1 variant allele.
Comment: NLGN3: PM2, PP2, PP3

NM_181303.2(NLGN3):c.1778G>C (p.Trp593Ser)

Gene: NLGN3 (neuroligin 3; plus strand). Cytogenetic location: Xq13.1.
Variant type: single nucleotide variant.
Coding change: c.1778G>C on transcript NM_181303.2 (MANE Select); coding-DNA position 1778, G replaced by C.
Protein change: p.Trp593Ser; replaces tryptophan 593 with serine.
Molecular consequence: missense variant.
Genome position (GRCh38, 1-based): chrX:71,169,328, G>C. VCF-style: chrX-71169328-G-C. GRCh37 (hg19) VCF-style: chrX-70389178-G-C.
Other names: c.1718G>C, p.Trp573Ser (NM_018977.4); c.1658G>C, p.Trp553Ser (NM_001166660.2); c.1367G>C, p.Trp456Ser (NM_001321276.2); short protein forms W456S, W553S, W573S, W593S.
Identifiers: ClinVar variation 1676170 (VCV001676170.33), dbSNP rs2147914175, ClinGen allele CA413564804.